The following is an entry in ClinVar:

ClinVar aggregate classification (germline): Uncertain significance. Review status: criteria provided, multiple submitters, no conflicts (2 of 4 stars). 2 submissions from 2 submitters: Uncertain significance (2). Last evaluated 2024-05-01.

Allele frequency attached by ClinVar (database versions not stated): ESP Exome Variant Server 0.00077; TOPMed 0.00046; gnomAD exomes 0.00057; ExAC 0.00059; gnomAD 0.00067 and 0.00068.
gnomAD v4.1: 955 of 1,614,144 alleles (0.059%); highest among the groups gnomAD compares: Non-Finnish European, 0.073%; 1 homozygote.

Submissions (2):

CeGaT Center for Human Genetics Tuebingen
Classification: Uncertain significance. Last evaluated: 2024-05-01. Review status: criteria provided, single submitter. Criteria: CeGaT Center For Human Genetics Tuebingen Variant Classification Criteria Version 2. Collection method: clinical testing. Allele origin: germline. Affected: yes. Observed: 2 variant alleles.

Labcorp Genetics (formerly Invitae), Labcorp
Classification: Uncertain significance. Last evaluated: 2022-07-25. Review status: criteria provided, single submitter. Criteria: Invitae Variant Classification Sherloc (09022015). Collection method: clinical testing. Allele origin: germline.
Comment: This sequence change replaces lysine, which is basic and polar, with threonine, which is neutral and polar, at codon 1641 of the SVIL protein (p.Lys1641Thr). This variant is present in population databases (rs150671744, gnomAD 0.1%), and has an allele count higher than expected for a pathogenic variant. This missense change has been observed in individual(s) with myopathy (Invitae). ClinVar contains an entry for this variant (Variation ID: 493068). Algorithms developed to predict the effect of missense changes on protein structure and function are either unavailable or do not agree on the potential impact of this missense change (SIFT: "Tolerated"; PolyPhen-2: "Possibly Damaging"; Align-GVGD: "Class C0"). In summary, the available evidence is currently insufficient to determine the role of this variant in disease. Therefore, it has been classified as a Variant of Uncertain Significance.

NM_021738.3(SVIL):c.6200A>C (p.Lys2067Thr)

Genes: SVIL (supervillin; minus strand), SVIL-AS1 (SVIL antisense RNA 1; plus strand). Cytogenetic location: 10p11.23.
Variant type: single nucleotide variant.
Coding change: c.6200A>C on transcript NM_021738.3 (MANE Select); coding-DNA position 6200, A replaced by C.
Protein change: p.Lys2067Thr; replaces lysine 2067 with threonine.
Molecular consequence: missense variant.
Genome position (GRCh38, 1-based): chr10:29,463,569, T>G on the plus strand (A>C on the coding strand, the complement: SVIL is on the minus strand). VCF-style: chr10-29463569-T-G. GRCh37 (hg19) VCF-style: chr10-29752498-T-G.
Other names: c.5270A>C, p.Lys1757Thr (NM_001323599.2); c.5018A>C, p.Lys1673Thr (NM_001323600.1); c.4922A>C, p.Lys1641Thr (NM_003174.3); short protein forms K1641T, K1757T, K1673T, K2067T.
Identifiers: ClinVar variation 493068 (VCV000493068.47), dbSNP rs150671744, ClinGen allele CA5455933.